The following is an entry in ClinVar:

NM_000245.4(MET):c.3208G>A (p.Val1070Met)

Gene: MET (MET proto-oncogene, receptor tyrosine kinase; plus strand). Cytogenetic location: 7q31.2.
Variant type: single nucleotide variant.
Coding change: c.3208G>A on transcript NM_000245.4 (MANE Select); coding-DNA position 3208, G replaced by A.
Protein change: p.Val1070Met; replaces valine 1070 with methionine.
Molecular consequence: missense variant.
Genome position (GRCh38, 1-based): chr7:116,775,060, G>A. VCF-style: chr7-116775060-G-A. GRCh37 (hg19) VCF-style: chr7-116415114-G-A.
Other names: c.3262G>A (LRG_662t1); c.3262G>A, p.Val1088Met (NM_001127500.3); c.1918G>A, p.Val640Met (NM_001324402.2); short protein forms V1088M, V1070M, V640M.
Identifiers: ClinVar variation 411875 (VCV000411875.12), dbSNP rs760285693, ClinGen allele CA4448662.

ClinVar aggregate classification (germline): Conflicting classifications of pathogenicity. Review status: criteria provided, conflicting classifications (1 of 4 stars). 4 submissions from 4 submitters: Uncertain significance (3); Likely benign (1). Last evaluated 2025-09-01.

Conditions:
Autosomal recessive nonsyndromic hearing loss 97. Also called: Deafness, autosomal recessive 97. Identifiers: Orphanet 90636, MedGen C4084709, MONDO:0014739, OMIM 616705.
Hereditary cancer-predisposing syndrome. Also called: Tumor predisposition; Hereditary Cancer Syndrome; Hereditary neoplastic syndrome; Neoplastic Syndromes, Hereditary. Identifiers: Orphanet 140162, MedGen C0027672, MeSH D009386, MONDO:0015356.
Renal cell carcinoma. Identifiers: Orphanet 217071, MedGen C0007134, MeSH D002292, MONDO:0005086, HP:0005584.

Allele frequency attached by ClinVar (database versions not stated): gnomAD 0.00001; gnomAD exomes 0.00002; TOPMed 0.00003.
gnomAD v4.1: 14 of 1,614,094 alleles (0.00087%); highest among the groups gnomAD compares: East Asian, 0.029%; no homozygotes.

Submissions (4):

Labcorp Genetics (formerly Invitae), Labcorp
Classification: Uncertain significance for Renal cell carcinoma. Last evaluated: 2025-09-01. Review status: criteria provided, single submitter. Criteria: Invitae Variant Classification Sherloc (09022015). Collection method: clinical testing. Allele origin: germline.
Comment: This sequence change replaces valine, which is neutral and non-polar, with methionine, which is neutral and non-polar, at codon 1088 of the MET protein (p.Val1088Met). This variant is present in population databases (rs760285693, gnomAD 0.03%). This variant has not been reported in the literature in individuals affected with MET-related conditions. ClinVar contains an entry for this variant (Variation ID: 411875). Invitae Evidence Modeling of protein sequence and biophysical properties (such as structural, functional, and spatial information, amino acid conservation, physicochemical variation, residue mobility, and thermodynamic stability) indicates that this missense variant is expected to disrupt MET protein function with a positive predictive value of 80%. In summary, the available evidence is currently insufficient to determine the role of this variant in disease. Therefore, it has been classified as a Variant of Uncertain Significance.

Baylor Genetics
Classification: Uncertain significance for Autosomal recessive nonsyndromic hearing loss 97. Last evaluated: 2023-12-07. Review status: criteria provided, single submitter. Criteria: ACMG Guidelines, 2015. Collection method: clinical testing. Allele origin: unknown.

GeneDx
Classification: Uncertain significance. Last evaluated: 2022-10-11. Review status: criteria provided, single submitter. Criteria: GeneDx Variant Classification Process June 2021. Collection method: clinical testing. Allele origin: germline. Affected: yes.
Comment: Not observed at significant frequency in large population cohorts (gnomAD); In silico analysis supports that this missense variant has a deleterious effect on protein structure/function; Has not been previously published as pathogenic or benign to our knowledge; This variant is associated with the following publications: (PMID: 32269842)

Ambry Genetics
Classification: Likely benign for Hereditary cancer-predisposing syndrome. Last evaluated: 2022-03-24. Review status: criteria provided, single submitter. Criteria: Ambry Variant Classification Scheme 2023. Collection method: clinical testing. Allele origin: germline.